The following is an entry in ClinVar:

NM_001267550.2(TTN):c.14337_14341dup (p.Val4781fs)

Gene: TTN (titin; minus strand). Cytogenetic location: 2q31.2.
Variant type: Duplication.
Coding change: c.14337_14341dup on transcript NM_001267550.2 (MANE Select); coding-DNA positions 14337 to 14341, 5 bases duplicated (CAGTG; older notation c.14337_14341dupCAGTG).
Protein change: p.Val4781fs; shifts the reading frame from valine 4781.
Molecular consequence: frameshift variant.
Genome position (GRCh38, 1-based): chr2:178,738,112-178,738,116, CACTG duplicated on the plus strand (CAGTG on the coding strand, the reverse complement: TTN is on the minus strand); duplicating any 5 consecutive bases within chr2:178,738,112-178,738,117 gives the same sequence; the c. name uses the placement nearest the transcript's 3' end. VCF-style (leftmost placement, unchanged base first): chr2-178738111-A-ACACTG. GRCh37 (hg19) VCF-style: chr2-179602838-A-ACACTG.
Other names: c.13386_13390dup, p.Val4464fs (NM_001256850.1); c.13248_13252dup, p.Val4418fs (NM_003319.4); c.10605_10609dup, p.Val3537fs (NM_133378.4); c.13623_13627dup, p.Val4543fs (NM_133432.3); c.13824_13828dup, p.Val4610fs (NM_133437.4); short protein forms V4418fs, V4781fs, V4543fs, V3537fs, V4610fs, V4464fs.
Identifiers: ClinVar variation 1371777 (VCV001371777.6), dbSNP rs2154316604, ClinGen allele CA2573133989.
Genomic context (GRCh38, chr2:178,738,111, plus strand): 5'-GACAACATCTGTGCCAATGTATGGCATTTACCTGTCACAGTTAGTGTGGCTGTACAGCTG[A>ACACTG]CACTGCCATACTCATTGGAAGCTTTGCATGTATACTCGCCGCAGTCAACCACCTGGGTTC-3'

ClinVar aggregate classification (germline): Likely pathogenic (1 of 4 stars; one submission).

Conditions:
Dilated cardiomyopathy 1G (CMD1G). Identifiers: Orphanet 154, MedGen C1858763, MONDO:0011400, OMIM 604145.
Autosomal recessive limb-girdle muscular dystrophy type 2J (LGMDR10). Also called: Limb-girdle muscular dystrophy, type 2J; MUSCULAR DYSTROPHY, LIMB-GIRDLE, AUTOSOMAL RECESSIVE 10. Identifiers: Orphanet 140922, MedGen C1837342, MONDO:0012127, OMIM 608807.

Submission:

Labcorp Genetics (formerly Invitae), Labcorp
Classification: Likely pathogenic for Dilated cardiomyopathy 1G; Autosomal recessive limb-girdle muscular dystrophy type 2J. Last evaluated: 2025-11-26. Review status: criteria provided, single submitter. Criteria: Invitae Variant Classification Sherloc (09022015). Collection method: clinical testing. Allele origin: germline.
Comment: This sequence change creates a premature translational stop signal (p.Val4781Alafs*9) in the TTN gene. While this is not anticipated to result in nonsense mediated decay, it is expected to create a truncated TTN protein. This variant is not present in population databases (gnomAD no frequency). This variant has not been reported in the literature in individuals affected with TTN-related conditions. ClinVar contains an entry for this variant (Variation ID: 1371777). This variant is located in the I band of TTN (PMID: 25589632). Truncating variants in this region have been reported in individuals affected with autosomal recessive centronuclear myopathy (PMID: 23975875, internal data). Truncating variants in this region have also been identified in individuals affected with autosomal dominant dilated cardiomyopathy and/or cardio-related conditions (PMID: 27869827, 32964742, internal data). In summary, the currently available evidence indicates that the variant is pathogenic, but additional data are needed to prove that conclusively. Therefore, this variant has been classified as Likely Pathogenic.

Literature cited by the submitters: PubMed 25589632; PubMed 23975875; PubMed 27869827; PubMed 32964742.